The following is an entry in ClinVar:

ClinVar aggregate classification (germline): Benign. Review status: reviewed by expert panel (3 of 4 stars). 27 submissions from 27 submitters: Benign (1). 26 of the submissions do not count toward it. Last evaluated 2015-08-10.

Conditions:
Hereditary cancer-predisposing syndrome. Also called: Hereditary Cancer Syndrome; Tumor predisposition; Neoplastic Syndromes, Hereditary; Hereditary neoplastic syndrome. Identifiers: Orphanet 140162, MedGen C0027672, MeSH D009386, MONDO:0015356.
Hereditary breast ovarian cancer syndrome. Also called: Breast and ovarian cancer; BRCA1- and BRCA2-Associated Hereditary Breast and Ovarian Cancer; Hereditary breast and ovarian cancer; Hereditary breast and ovarian cancer syndrome (HBOC); Hereditary breast and ovarian cancer syndrome; Hereditary breast and/or ovarian cancer syndrome. Identifiers: Orphanet 145, MedGen C0677776, MeSH D061325, MONDO:0003582. Disease mechanism: loss of function.
Breast-ovarian cancer, familial, susceptibility to, 1 (BROVCA1). Also called: BRCA1 Hereditary Breast and Ovarian Cancer; OVARIAN CANCER, SUSCEPTIBILITY TO. Identifiers: Orphanet 145, MedGen C2676676, MONDO:0011450, OMIM 604370. Disease mechanism: loss of function.
Malignant tumor of breast. Also called: Malignant breast neoplasm; Cancer breast. Identifiers: MedGen C0006142, MONDO:0007254. Disease mechanism: loss of function.

Allele frequency attached by ClinVar (database versions not stated): ExAC 0.00004; TOPMed 0.00009; 1000 Genomes Project 30x 0.00016; 1000 Genomes Project 0.00020; gnomAD exomes 0.00005; ESP Exome Variant Server 0.00008.
gnomAD v4.1: 75 of 1,614,060 alleles (0.0046%); highest among the groups gnomAD compares: Middle Eastern, 0.066%; no homozygotes.

Submissions 1 to 15 of 28:

Evidence-based Network for the Interpretation of Germline Mutant Alleles (ENIGMA)
Classification: Benign for Breast-ovarian cancer, familial 1. Last evaluated: 2015-08-10. Review status: reviewed by expert panel. Criteria: ENIGMA BRCA1/2 Classification Criteria (2015). Collection method: curation. Allele origin: germline.
Comment: IARC class based on posterior probability from multifactorial likelihood analysis, thresholds for class as per Plon et al. 2008 (PMID: 18951446). Class 1 based on posterior probability = 0.0000495

Institute for Biomarker Research, Medical Diagnostic Laboratories, L.L.C.
Classification: Likely benign for Hereditary breast ovarian cancer syndrome. Last evaluated: 2026-07-10. Review status: criteria provided, single submitter. Criteria: ACMG Guidelines, 2015. Collection method: clinical testing. Allele origin: germline. Not counted in ClinVar's aggregate classification.
Comment: The missense variant NM_007294.4(BRCA1):c.5117G>C (p.Gly1706Ala) causes a change at the same amino acid residue as a previously established pathogenic variant. Additionally, the variant has been reported to ClinVar as Benign with a status of (3 stars) reviewed by expert panel (Accession: VCV000055406.69). The variant is observed in one or more well-documented healthy adults. There is a small physicochemical difference between glycine and alanine, which is not likely to impact secondary protein structure as these residues share similar properties. The p.Gly1706Ala missense variant is predicted to be damaging by both SIFT and PolyPhen2. The glycine residue at codon 1706 of BRCA1 is conserved in all mammalian species. The nucleotide c.5117 in BRCA1 is predicted conserved by GERP++ and PhyloP across 100 vertebrates. For these reasons, this variant has been classified as Likely Benign.

Labcorp Genetics (formerly Invitae), Labcorp
Classification: Benign for Hereditary breast ovarian cancer syndrome. Last evaluated: 2026-01-20. Review status: criteria provided, single submitter. Criteria: Invitae Variant Classification Sherloc (09022015). Collection method: clinical testing. Allele origin: germline. Not counted in ClinVar's aggregate classification.

Dasa
Classification: Benign for Breast-ovarian cancer, familial, susceptibility to, 1. Last evaluated: 2025-12-16. Review status: criteria provided, single submitter. Criteria: DASA Assertion Criteria. Collection method: clinical testing. Allele origin: germline. Not counted in ClinVar's aggregate classification.
Comment: NM_007294.4(BRCA1):c.5117G>C (p.Gly1706Ala) is a missense variant that results in the substitution of glycine with alanine. Functional evidence is consistent with no deleterious impact on the gene or gene product. Therefore, based on the currently available evidence, this variant is classified as benign.

CeGaT Center for Human Genetics Tuebingen
Classification: Likely benign. Last evaluated: 2025-06-01. Review status: criteria provided, single submitter. Criteria: CeGaT Center For Human Genetics Tuebingen Variant Classification Criteria Version 2. Collection method: clinical testing. Allele origin: germline. Affected: yes. Observed: 2 variant alleles. Not counted in ClinVar's aggregate classification.
Comment: BRCA1: PM5, BP2, BS3:Moderate

Center for Genomic Medicine, Rigshospitalet, Copenhagen University Hospital
Classification: Benign. Last evaluated: 2025-03-04. Review status: criteria provided, single submitter. Criteria: ACMG Guidelines, 2015. Collection method: clinical testing. Allele origin: germline. Not counted in ClinVar's aggregate classification.

Blueprint Genetics
Classification: Likely benign. Last evaluated: 2024-08-06. Review status: criteria provided, single submitter. Criteria: ACMG Guidelines, 2015. Collection method: clinical testing. Allele origin: germline. Not counted in ClinVar's aggregate classification.

All of Us Research Program, National Institutes of Health
Classification: Likely benign for Breast-ovarian cancer, familial, susceptibility to, 1. Last evaluated: 2024-02-05. Review status: criteria provided, single submitter. Criteria: ACMG Guidelines, 2015. Collection method: clinical testing. Allele origin: germline. Inheritance: Autosomal dominant inheritance. Observed: 16 variant alleles, 16 heterozygotes. Not counted in ClinVar's aggregate classification.
Comment: This study involves interpretation of variants in research participants for the purpose of population health screening. Participant phenotype was not available at the time of variant classification. Additional details can be found in publication PMID: 35346344, PMCID: PMC8962531

Genetics Program, Instituto Nacional de Cancer
Classification: Likely benign for Hereditary breast ovarian cancer syndrome. Last evaluated: 2021-11-01. Review status: criteria provided, single submitter. Criteria: ACMG Guidelines, 2015. Collection method: research. Allele origin: germline. Affected: yes. Not counted in ClinVar's aggregate classification.

Sema4
Classification: Likely benign for Hereditary cancer-predisposing syndrome. Last evaluated: 2021-01-18. Review status: criteria provided, single submitter. Criteria: Sema4 Curation Guidelines. Collection method: curation. Allele origin: germline. Not counted in ClinVar's aggregate classification.

GeneDx
Classification: Likely benign. Last evaluated: 2020-10-05. Review status: criteria provided, single submitter. Criteria: GeneDx Variant Classification Process June 2021. Collection method: clinical testing. Allele origin: germline. Affected: yes. Not counted in ClinVar's aggregate classification.
Comment: This variant is associated with the following publications: (PMID: 17305420, 15689452, 20378548, 24916970, 21990134, 15923272, 30209399, 23683081, 12955716, 12601471, 23469205, 21702907, 21447777, 23479189, 23289006, 25782689, 15235020, 23867111, 25814778, 27495310, 26997744, 18645608, 20516115, 30145549, 30263132, 28781887, 30765603, 33087888)

Mendelics
Classification: Likely benign for Breast-ovarian cancer, familial, susceptibility to, 1. Last evaluated: 2019-05-28. Review status: criteria provided, single submitter. Criteria: Mendelics Assertion Criteria 2017. Collection method: clinical testing. Allele origin: unknown. Not counted in ClinVar's aggregate classification.

Quest Diagnostics Nichols Institute San Juan Capistrano
Classification: Benign. Last evaluated: 2018-10-31. Review status: criteria provided, single submitter. Criteria: Quest Diagnostics criteria. Collection method: clinical testing. Allele origin: germline. Not counted in ClinVar's aggregate classification.

Clinical Genetics DNA and cytogenetics Diagnostics Lab, Erasmus MC, Erasmus Medical Center
Classification: Benign for Breast-ovarian cancer, familial, susceptibility to, 1. Last evaluated: 2017-05-31. Review status: criteria provided, single submitter. Criteria: ACGS Guidelines, 2013. Collection method: clinical testing. Allele origin: germline. Affected: yes. Study: VKGL Data-share Consensus. Not counted in ClinVar's aggregate classification.

Color Diagnostics, LLC DBA Color Health
Classification: Likely benign for Hereditary cancer-predisposing syndrome. Last evaluated: 2016-06-20. Review status: criteria provided, single submitter. Criteria: ACMG Guidelines, 2015. Collection method: clinical testing. Allele origin: germline. Not counted in ClinVar's aggregate classification.

NM_007294.4(BRCA1):c.5117G>C (p.Gly1706Ala)

Gene: BRCA1 (BRCA1 DNA repair associated; minus strand). Cytogenetic location: 17q21.31.
Variant type: single nucleotide variant.
Coding change: c.5117G>C on transcript NM_007294.4 (MANE Select); coding-DNA position 5117, G replaced by C.
Protein change: p.Gly1706Ala; replaces glycine 1706 with alanine.
Molecular consequence: missense variant. On other transcripts: non-coding transcript variant (1).
Genome position (GRCh38, 1-based): chr17:43,063,909, C>G on the plus strand (G>C on the coding strand, the complement: BRCA1 is on the minus strand). VCF-style: chr17-43063909-C-G. GRCh37 (hg19) VCF-style: chr17-41215926-C-G.
Other names: p.G1706A:GGA>GCA; 5236G>C; c.4904G>C, p.Gly1635Ala (NM_001407571.1, NM_001407899.1, NM_001407900.1 and 12 more transcripts); c.5183G>C, p.Gly1728Ala (NM_001407581.1, NM_001407582.1); c.5180G>C, p.Gly1727Ala (NM_001407583.1, NM_001407585.1, NM_001407587.1 and 1 more transcripts); c.5177G>C, p.Gly1726Ala (NM_001407590.1, NM_001407591.1); c.5117G>C, p.Gly1706Ala (NM_001407593.1, NM_001407594.1, NM_001407596.1 and 7 more transcripts); c.5114G>C, p.Gly1705Ala (NM_001407610.1, NM_001407611.1, NM_001407612.1 and 17 more transcripts); and 73 more; short protein forms G1706A, G1659A, G602A, G1727A, G1409A, G1595A, G1665A, G1703A.
Identifiers: ClinVar variation 55406 (VCV000055406.74), dbSNP rs80356860, ClinGen allele CA003250.